The following is an entry in ClinVar:

ClinVar aggregate classification (germline): Uncertain significance (1 of 4 stars; one submission).

Submission:

Labcorp Genetics (formerly Invitae), Labcorp
Classification: Uncertain significance. Last evaluated: 2024-02-22. Review status: criteria provided, single submitter. Criteria: Invitae Variant Classification Sherloc (09022015). Collection method: clinical testing. Allele origin: germline.
Comment: This sequence change replaces glycine, which is neutral and non-polar, with alanine, which is neutral and non-polar, at codon 133 of the ATP1A1 protein (p.Gly133Ala). This variant is not present in population databases (gnomAD no frequency). This variant has not been reported in the literature in individuals affected with ATP1A1-related conditions. Advanced modeling of protein sequence and biophysical properties (such as structural, functional, and spatial information, amino acid conservation, physicochemical variation, residue mobility, and thermodynamic stability) performed at Invitae indicates that this missense variant is not expected to disrupt ATP1A1 protein function with a negative predictive value of 80%. In summary, the available evidence is currently insufficient to determine the role of this variant in disease. Therefore, it has been classified as a Variant of Uncertain Significance.

NM_000701.8(ATP1A1):c.398G>C (p.Gly133Ala)

Gene: ATP1A1 (ATPase Na+/K+ transporting subunit alpha 1; plus strand). Cytogenetic location: 1p13.1.
Variant type: single nucleotide variant.
Coding change: c.398G>C on transcript NM_000701.8 (MANE Select); coding-DNA position 398, G replaced by C.
Protein change: p.Gly133Ala; replaces glycine 133 with alanine.
Molecular consequence: missense variant.
Genome position (GRCh38, 1-based): chr1:116,388,141, G>C. VCF-style: chr1-116388141-G-C. GRCh37 (hg19) VCF-style: chr1-116930763-G-C.
Other names: c.398G>C, p.Gly133Ala (NM_001160233.2); c.305G>C, p.Gly102Ala (NM_001160234.2); short protein forms G102A, G133A.
Identifiers: ClinVar variation 3642404 (VCV003642404.2).